The following is an entry in ClinVar:

ClinVar aggregate classification (germline): Pathogenic (1 of 4 stars; one submission).

Submission:

Labcorp Genetics (formerly Invitae), Labcorp
Classification: Pathogenic. Last evaluated: 2022-10-27. Review status: criteria provided, single submitter. Criteria: Invitae Variant Classification Sherloc (09022015). Collection method: clinical testing. Allele origin: germline.
Comment: For these reasons, this variant has been classified as Pathogenic. This variant has not been reported in the literature in individuals affected with ARMC9-related conditions. This variant is a gross deletion of the genomic region encompassing exon(s) 20 of the ARMC9 gene. This is also known as a deletion of exon(s) 21 when the first non-coding exon is represented as exon 1. This deletion is out-of-frame, and is expected to create a premature termination codon and result in an absent or disrupted protein product. Loss-of-function variants in ARMC9 are known to be pathogenic (PMID: 28625504).

Literature cited by the submitters: PubMed 28625504.

NC_000002.11:g.(?_232209667)_(232209822_?)del

Gene: ARMC9 (armadillo repeat containing 9; plus strand). Cytogenetic location: 2q37.1.
Variant type: Deletion.
Identifiers: ClinVar variation 1458713 (VCV001458713.7).